The following is an entry in ClinVar:

NM_206933.4(USH2A):c.14302T>C (p.Tyr4768His)

Gene: USH2A (usherin; minus strand). Cytogenetic location: 1q41.
Variant type: single nucleotide variant.
Coding change: c.14302T>C on transcript NM_206933.4 (MANE Select); coding-DNA position 14302, T replaced by C.
Protein change: p.Tyr4768His; replaces tyrosine 4768 with histidine.
Molecular consequence: missense variant.
Genome position (GRCh38, 1-based): chr1:215,650,633, A>G on the plus strand (T>C on the coding strand, the complement: USH2A is on the minus strand). VCF-style: chr1-215650633-A-G. GRCh37 (hg19) VCF-style: chr1-215823975-A-G.
Other names: short protein forms Y4768H.
Identifiers: ClinVar variation 839259 (VCV000839259.10), dbSNP rs1657029565, ClinGen allele CA344835057.

ClinVar aggregate classification (germline): Uncertain significance (1 of 4 stars; one submission).

Submission:

Labcorp Genetics (formerly Invitae), Labcorp
Classification: Uncertain significance. Last evaluated: 2020-03-11. Review status: criteria provided, single submitter. Criteria: Invitae Variant Classification Sherloc (09022015). Collection method: clinical testing. Allele origin: germline.
Comment: In summary, the available evidence is currently insufficient to determine the role of this variant in disease. Therefore, it has been classified as a Variant of Uncertain Significance. Algorithms developed to predict the effect of missense changes on protein structure and function are either unavailable or do not agree on the potential impact of this missense change (SIFT: "Deleterious"; PolyPhen-2: "Probably Damaging"; Align-GVGD: "Class C0"). This variant has not been reported in the literature in individuals with USH2A-related conditions. This variant is not present in population databases (ExAC no frequency). This sequence change replaces tyrosine with histidine at codon 4768 of the USH2A protein (p.Tyr4768His). The tyrosine residue is moderately conserved and there is a moderate physicochemical difference between tyrosine and histidine.